The following is an entry in ClinVar:

ClinVar aggregate classification (germline): Conflicting classifications of pathogenicity. Review status: criteria provided, conflicting classifications (1 of 4 stars). 3 submissions from 3 submitters: Uncertain significance (2); Likely benign (1). Last evaluated 2026-08-13.

Conditions:
Hereditary cancer-predisposing syndrome. Also called: Neoplastic Syndromes, Hereditary; Hereditary Cancer Syndrome; Hereditary neoplastic syndrome; Tumor predisposition. Identifiers: Orphanet 140162, MedGen C0027672, MeSH D009386, MONDO:0015356.
Hereditary nonpolyposis colorectal neoplasms. Identifiers: MedGen C0009405, MeSH D003123.

Submissions (3):

Ambry Genetics
Classification: Likely benign for Hereditary cancer-predisposing syndrome. Last evaluated: 2026-08-13. Review status: criteria provided, single submitter. Criteria: Ambry Variant Classification Scheme 2023. Collection method: clinical testing. Allele origin: germline.

Labcorp Genetics (formerly Invitae), Labcorp
Classification: Uncertain significance for Hereditary nonpolyposis colorectal neoplasms. Last evaluated: 2021-11-02. Review status: criteria provided, single submitter. Criteria: Invitae Variant Classification Sherloc (09022015). Collection method: clinical testing. Allele origin: germline.
Comment: In summary, the available evidence is currently insufficient to determine the role of this variant in disease. Therefore, it has been classified as a Variant of Uncertain Significance. Advanced modeling of protein sequence and biophysical properties (such as structural, functional, and spatial information, amino acid conservation, physicochemical variation, residue mobility, and thermodynamic stability) performed at Invitae indicates that this missense variant is not expected to disrupt PMS2 protein function. ClinVar contains an entry for this variant (Variation ID: 630430). This variant has not been reported in the literature in individuals affected with PMS2-related conditions. This variant is not present in population databases (gnomAD no frequency). This sequence change replaces valine, which is neutral and non-polar, with leucine, which is neutral and non-polar, at codon 467 of the PMS2 protein (p.Val467Leu).

Color Diagnostics, LLC DBA Color Health
Classification: Uncertain significance for Hereditary cancer-predisposing syndrome. Last evaluated: 2019-01-19. Review status: criteria provided, single submitter. Criteria: ACMG Guidelines, 2015. Collection method: clinical testing. Allele origin: germline.

NM_000535.7(PMS2):c.1399G>C (p.Val467Leu)

Gene: PMS2 (PMS1 homolog 2, mismatch repair system component; minus strand). Cytogenetic location: 7p22.1.
Variant type: single nucleotide variant.
Coding change: c.1399G>C on transcript NM_000535.7 (MANE Select); coding-DNA position 1399, G replaced by C.
Protein change: p.Val467Leu; replaces valine 467 with leucine.
Molecular consequence: missense variant. On other transcripts: non-coding transcript variant (1).
Genome position (GRCh38, 1-based): chr7:5,987,366, C>G on the plus strand (G>C on the coding strand, the complement: PMS2 is on the minus strand). VCF-style: chr7-5987366-C-G. GRCh37 (hg19) VCF-style: chr7-6026997-C-G.
Other names: c.994G>C, p.Val332Leu (NM_001322003.2, NM_001322004.2, NM_001322005.2 and 1 more transcripts); c.1243G>C, p.Val415Leu (NM_001322006.2); c.1081G>C, p.Val361Leu (NM_001322007.2, NM_001322008.2); c.838G>C, p.Val280Leu (NM_001322010.2); c.466G>C, p.Val156Leu (NM_001322011.2, NM_001322012.2); c.826G>C, p.Val276Leu (NM_001322013.2); c.1399G>C, p.Val467Leu (NM_001322014.2); c.1090G>C, p.Val364Leu (NM_001322015.2); and 1 more; short protein forms V467L, V415L, V156L, V280L, V332L, V276L, V361L, V364L.
Identifiers: ClinVar variation 630430 (VCV000630430.11), dbSNP rs373611083, ClinGen allele CA366742121.